The following is an entry in ClinVar:

ClinVar aggregate classification (germline): Uncertain significance (1 of 4 stars; one submission).

Conditions:
Severe combined immunodeficiency due to DNA-PKcs deficiency. Also called: IMMUNODEFICIENCY 26 WITH NEUROLOGIC ABNORMALITIES; Immunodeficiency 26 with or without neurologic abnormalities. Identifiers: Orphanet 317425, MedGen C4014833, MONDO:0014423, OMIM 615966.

Allele frequency attached by ClinVar (database versions not stated): ExAC 0.00001.
gnomAD v4.1: 16 of 1,613,760 alleles (0.00099%); highest among the groups gnomAD compares: Non-Finnish European, 0.0014%; no homozygotes.

Submission:

Labcorp Genetics (formerly Invitae), Labcorp
Classification: Uncertain significance for Severe combined immunodeficiency due to DNA-PKcs deficiency. Last evaluated: 2022-10-12. Review status: criteria provided, single submitter. Criteria: Invitae Variant Classification Sherloc (09022015). Collection method: clinical testing. Allele origin: germline.
Comment: In summary, the available evidence is currently insufficient to determine the role of this variant in disease. Therefore, it has been classified as a Variant of Uncertain Significance. Experimental studies and prediction algorithms are not available or were not evaluated, and the functional significance of this variant is currently unknown. This variant has not been reported in the literature in individuals affected with PRKDC-related conditions. This variant is present in population databases (rs757087185, gnomAD 0.002%). This sequence change replaces glutamic acid, which is acidic and polar, with aspartic acid, which is acidic and polar, at codon 2754 of the PRKDC protein (p.Glu2754Asp).

NM_006904.7(PRKDC):c.8262G>T (p.Glu2754Asp)

Gene: PRKDC (protein kinase, DNA-activated, catalytic subunit; minus strand). Cytogenetic location: 8q11.21.
Variant type: single nucleotide variant.
Coding change: c.8262G>T on transcript NM_006904.7 (MANE Select); coding-DNA position 8262, G replaced by T.
Protein change: p.Glu2754Asp; replaces glutamic acid 2754 with aspartic acid.
Molecular consequence: missense variant.
Genome position (GRCh38, 1-based): chr8:47,831,817, C>A on the plus strand (G>T on the coding strand, the complement: PRKDC is on the minus strand). VCF-style: chr8-47831817-C-A. GRCh37 (hg19) VCF-style: chr8-48744378-C-A.
Other names: c.8262G>T, p.Glu2754Asp (NM_001081640.2); short protein forms E2754D.
Identifiers: ClinVar variation 1720923 (VCV001720923.5), dbSNP rs757087185, ClinGen allele CA4739890.